The following is an entry in ClinVar:

ClinVar aggregate classification (germline): Uncertain significance (1 of 4 stars; one submission).

Conditions:
Cortical dysplasia-focal epilepsy syndrome (PTHSL1). Also called: Pitt-Hopkins-like syndrome 1. Identifiers: Orphanet 163681, Orphanet 221150, MedGen C2750246, MONDO:0012400, OMIM 610042.

Allele frequency attached by ClinVar (database versions not stated): gnomAD exomes below 0.00001; gnomAD 0.00001; TOPMed 0.00001.
gnomAD v4.1: 7 of 1,613,980 alleles (0.00043%); highest among the groups gnomAD compares: South Asian, 0.0022%; no homozygotes.

Submission:

Labcorp Genetics (formerly Invitae), Labcorp
Classification: Uncertain significance for Cortical dysplasia-focal epilepsy syndrome. Last evaluated: 2024-09-10. Review status: criteria provided, single submitter. Criteria: Invitae Variant Classification Sherloc (09022015). Collection method: clinical testing. Allele origin: germline.
Comment: This sequence change replaces glycine, which is neutral and non-polar, with arginine, which is basic and polar, at codon 1215 of the CNTNAP2 protein (p.Gly1215Arg). This variant is present in population databases (no rsID available, gnomAD 0.003%). This variant has not been reported in the literature in individuals affected with CNTNAP2-related conditions. ClinVar contains an entry for this variant (Variation ID: 952933). An algorithm developed to predict the effect of missense changes on protein structure and function (PolyPhen-2) suggests that this variant is likely to be tolerated. In summary, the available evidence is currently insufficient to determine the role of this variant in disease. Therefore, it has been classified as a Variant of Uncertain Significance.

NM_014141.6(CNTNAP2):c.3643G>A (p.Gly1215Arg)

Gene: CNTNAP2 (contactin associated protein 2; plus strand). Cytogenetic location: 7q36.1.
Variant type: single nucleotide variant.
Coding change: c.3643G>A on transcript NM_014141.6 (MANE Select); coding-DNA position 3643, G replaced by A.
Protein change: p.Gly1215Arg; replaces glycine 1215 with arginine.
Molecular consequence: missense variant.
Genome position (GRCh38, 1-based): chr7:148,383,816, G>A. VCF-style: chr7-148383816-G-A. GRCh37 (hg19) VCF-style: chr7-148080908-G-A.
Other names: short protein forms G1215R.
Identifiers: ClinVar variation 952933 (VCV000952933.10), dbSNP rs1212113314, ClinGen allele CA369704819.